The following is an entry in ClinVar:

NM_001291303.3(FAT4):c.1663C>T (p.Arg555Trp)

Gene: FAT4 (FAT atypical cadherin 4; plus strand). Cytogenetic location: 4q28.1.
Variant type: single nucleotide variant.
Coding change: c.1663C>T on transcript NM_001291303.3 (MANE Select); coding-DNA position 1663, C replaced by T.
Protein change: p.Arg555Trp; replaces arginine 555 with tryptophan.
Molecular consequence: missense variant.
Genome position (GRCh38, 1-based): chr4:125,318,074, C>T. VCF-style: chr4-125318074-C-T. GRCh37 (hg19) VCF-style: chr4-126239229-C-T.
Other names: c.1663C>T (NM_024582.5, NM_024582.4); c.1663C>T, p.Arg555Trp (NM_001291285.3, NM_024582.6); short protein forms R555W.
Identifiers: ClinVar variation 1492306 (VCV001492306.27), dbSNP rs756991867, ClinGen allele CA3072031.

ClinVar aggregate classification (germline): Uncertain significance. Review status: criteria provided, multiple submitters, no conflicts (2 of 4 stars). 5 submissions from 5 submitters: Uncertain significance (5). Last evaluated 2024-10-28.

Conditions:
Van Maldergem syndrome 2 (VMLDS2). Identifiers: Orphanet 314679, MedGen C3809875, MONDO:0014242, OMIM 615546.
Hennekam lymphangiectasia-lymphedema syndrome 2 (HKLLS2). Identifiers: Orphanet 2136, MedGen C4014939, MONDO:0014454, OMIM 616006.
Inborn genetic diseases. Identifiers: MedGen C0950123, MeSH D030342.

Allele frequency attached by ClinVar (database versions not stated): TOPMed 0.00001; gnomAD 0.00002 and 0.00003; gnomAD exomes 0.00002 and 0.00003; ExAC 0.00004.
gnomAD v4.1: 36 of 1,613,930 alleles (0.0022%); highest among the groups gnomAD compares: Non-Finnish European, 0.003%; no homozygotes.

Submissions (5):

Labcorp Genetics (formerly Invitae), Labcorp
Classification: Uncertain significance. Last evaluated: 2024-10-28. Review status: criteria provided, single submitter. Criteria: Invitae Variant Classification Sherloc (09022015). Collection method: clinical testing. Allele origin: germline.
Comment: This sequence change replaces arginine, which is basic and polar, with tryptophan, which is neutral and slightly polar, at codon 555 of the FAT4 protein (p.Arg555Trp). This variant is present in population databases (rs756991867, gnomAD 0.006%). This variant has not been reported in the literature in individuals affected with FAT4-related conditions. ClinVar contains an entry for this variant (Variation ID: 1492306). Invitae Evidence Modeling of protein sequence and biophysical properties (such as structural, functional, and spatial information, amino acid conservation, physicochemical variation, residue mobility, and thermodynamic stability) indicates that this missense variant is expected to disrupt FAT4 protein function with a positive predictive value of 80%. In summary, the available evidence is currently insufficient to determine the role of this variant in disease. Therefore, it has been classified as a Variant of Uncertain Significance.

CeGaT Center for Human Genetics Tuebingen
Classification: Uncertain significance. Last evaluated: 2024-07-01. Review status: criteria provided, single submitter. Criteria: CeGaT Center For Human Genetics Tuebingen Variant Classification Criteria Version 2. Collection method: clinical testing. Allele origin: germline. Affected: yes. Observed: 1 variant allele.
Comment: FAT4: PM2

Fulgent Genetics
Classification: Uncertain significance for Van Maldergem syndrome 2; Hennekam lymphangiectasia-lymphedema syndrome 2. Last evaluated: 2024-06-10. Review status: criteria provided, single submitter. Criteria: ACMG Guidelines, 2015. Collection method: clinical testing. Allele origin: germline.

Ambry Genetics
Classification: Uncertain significance for Inborn genetic diseases. Last evaluated: 2023-01-10. Review status: criteria provided, single submitter. Criteria: Ambry Variant Classification Scheme 2023. Collection method: clinical testing. Allele origin: germline.

Revvity Omics, Revvity
Classification: Uncertain significance. Last evaluated: 2020-05-11. Review status: criteria provided, single submitter. Criteria: ACMG Guidelines, 2015. Collection method: clinical testing. Allele origin: germline.